The following is an entry in ClinVar:

ClinVar aggregate classification (germline): Uncertain significance (1 of 4 stars; one submission).

Conditions:
Loeys-Dietz syndrome 2 (LDS2). Also called: AORTIC ANEURYSM, FAMILIAL THORACIC 3; MARFAN SYNDROME, TYPE II; Marfan syndrome, type 2 (formerly); TGFBR2-Related Loeys-Dietz Syndrome; Marfan Syndrome type 2; Marfan like connective tissue disorder. Identifiers: Orphanet 284973, Orphanet 558, MedGen C2674574, MONDO:0012427, OMIM 610168.

Submission:

All of Us Research Program, National Institutes of Health
Classification: Uncertain significance for Loeys-Dietz syndrome 2. Last evaluated: 2023-03-09. Review status: criteria provided, single submitter. Criteria: ACMG Guidelines, 2015. Collection method: clinical testing. Allele origin: germline. Inheritance: Autosomal dominant inheritance. Observed: 1 variant allele, 1 heterozygote.
Comment: This missense variant replaces serine with arginine at codon 198 of the TGFBR2 protein. Computational prediction suggests that this variant may not impact protein structure and function (internally defined REVEL score threshold <= 0.5, PMID: 27666373). To our knowledge, functional studies have not been reported for this variant. This variant has not been reported in individuals affected with TGFBR2-related disorders in the literature. This variant has not been identified in the general population by the Genome Aggregation Database (gnomAD). The available evidence is insufficient to determine the role of this variant in disease conclusively. Therefore, this variant is classified as a Variant of Uncertain Significance.

This study involves interpretation of variants in research participants for the purpose of population health screening. Participant phenotype was not available at the time of variant classification. Additional details can be found in publication PMID: 35346344, PMCID: PMC8962531

NM_003242.6(TGFBR2):c.594T>A (p.Ser198Arg)

Gene: TGFBR2 (transforming growth factor beta receptor 2; plus strand). Cytogenetic location: 3p24.1.
Variant type: single nucleotide variant.
Coding change: c.594T>A on transcript NM_003242.6 (MANE Select); coding-DNA position 594, T replaced by A.
Protein change: p.Ser198Arg; replaces serine 198 with arginine.
Molecular consequence: missense variant. On other transcripts: intron variant (1).
Genome position (GRCh38, 1-based): chr3:30,671,777, T>A. VCF-style: chr3-30671777-T-A. GRCh37 (hg19) VCF-style: chr3-30713269-T-A.
Other names: c.669T>A, p.Ser223Arg (NM_001024847.3); c.777T>A, p.Ser259Arg (NM_001407126.1); c.702T>A, p.Ser234Arg (NM_001407127.1); c.621T>A, p.Ser207Arg (NM_001407128.1); c.597T>A, p.Ser199Arg (NM_001407129.1); c.594T>A, p.Ser198Arg (NM_001407130.1); c.489T>A, p.Ser163Arg (NM_001407132.1, NM_001407133.1, NM_001407134.1 and 2 more transcripts); c.309T>A, p.Ser103Arg (NM_001407137.1); and 2 more; short protein forms S103R, S163R, S198R, S199R, S207R, S223R, S234R, S259R.
Identifiers: ClinVar variation 3069845 (VCV003069845.1), dbSNP rs886038945, ClinGen allele CA351807442.